The following is an entry in ClinVar:

NM_025179.4(PLXNA2):c.5130C>G (p.Pro1710=)

Gene: PLXNA2 (plexin A2; minus strand). Cytogenetic location: 1q32.2.
Variant type: single nucleotide variant.
Coding change: c.5130C>G on transcript NM_025179.4 (MANE Select); coding-DNA position 5130, C replaced by G.
Protein change: p.Pro1710=; no amino-acid change (proline 1710 retained).
Molecular consequence: synonymous variant.
Genome position (GRCh38, 1-based): chr1:208,031,685, G>C on the plus strand (C>G on the coding strand, the complement: PLXNA2 is on the minus strand). VCF-style: chr1-208031685-G-C. GRCh37 (hg19) VCF-style: chr1-208205030-G-C.
Identifiers: ClinVar variation 4984334 (VCV004984334.1).

ClinVar aggregate classification (germline): Likely benign (1 of 4 stars; one submission).

Conditions:
PLXNA2-related disorder. Also called: PLXNA2-related condition.

gnomAD v4.1: 4 of 1,613,662 alleles (0.00025%); highest among the groups gnomAD compares: Non-Finnish European, 0.00025%; no homozygotes.

Submission:

PreventionGenetics, part of Exact Sciences
Classification: Likely benign for PLXNA2-related condition. Last evaluated: 2024-11-10. Review status: criteria provided, single submitter. Criteria: ACMG Guidelines, 2015. Collection method: clinical testing. Allele origin: germline.
Comment: This variant is classified as likely benign based on ACMG/AMP sequence variant interpretation guidelines (Richards et al. 2015 PMID: 25741868, with internal and published modifications).